The following is an entry in ClinVar:

ClinVar aggregate classification (germline): Uncertain significance. Review status: criteria provided, multiple submitters, no conflicts (2 of 4 stars). 3 submissions from 3 submitters: Uncertain significance (3). Last evaluated 2023-08-08.

Conditions:
Eichsfeld type congenital muscular dystrophy (CMYO3). Also called: MYOPATHY, SEPN1-RELATED; SELENON-related myopathy; Congenital myopathy 3 with rigid spine; Rigid spine muscular dystrophy 1. Identifiers: MedGen C0410180, MONDO:0100100, OMIM 602771.
Inborn genetic diseases. Identifiers: MedGen C0950123, MeSH D030342.

Allele frequency attached by ClinVar (database versions not stated): ExAC 0.00001; gnomAD 0.00001; gnomAD exomes 0.00001; TOPMed 0.00001.

Submissions (3):

Ambry Genetics
Classification: Uncertain significance for Inborn genetic diseases. Last evaluated: 2023-08-08. Review status: criteria provided, single submitter. Criteria: Ambry Variant Classification Scheme 2023. Collection method: clinical testing. Allele origin: germline.

Labcorp Genetics (formerly Invitae), Labcorp
Classification: Uncertain significance for Eichsfeld type congenital muscular dystrophy. Last evaluated: 2022-07-06. Review status: criteria provided, single submitter. Criteria: Invitae Variant Classification Sherloc (09022015). Collection method: clinical testing. Allele origin: germline.
Comment: This variant has not been reported in the literature in individuals affected with SELENON-related conditions. This sequence change replaces arginine, which is basic and polar, with tryptophan, which is neutral and slightly polar, at codon 262 of the SELENON protein (p.Arg262Trp). This variant is present in population databases (rs746994841, gnomAD 0.003%). ClinVar contains an entry for this variant (Variation ID: 1493895). Algorithms developed to predict the effect of missense changes on protein structure and function (SIFT, PolyPhen-2, Align-GVGD) all suggest that this variant is likely to be disruptive. In summary, the available evidence is currently insufficient to determine the role of this variant in disease. Therefore, it has been classified as a Variant of Uncertain Significance.

Revvity Omics, Revvity
Classification: Uncertain significance for Eichsfeld type congenital muscular dystrophy. Last evaluated: 2019-04-22. Review status: criteria provided, single submitter. Criteria: ACMG Guidelines, 2015. Collection method: clinical testing. Allele origin: germline.

NM_206926.2(SELENON):c.682C>T (p.Arg228Trp)

Gene: SELENON (selenoprotein N; plus strand). Cytogenetic location: 1p36.11.
Variant type: single nucleotide variant.
Coding change: c.682C>T on transcript NM_206926.2 (MANE Select); coding-DNA position 682, C replaced by T.
Protein change: p.Arg228Trp; replaces arginine 228 with tryptophan.
Molecular consequence: missense variant.
Genome position (GRCh38, 1-based): chr1:25,809,062, C>T. VCF-style: chr1-25809062-C-T. GRCh37 (hg19) VCF-style: chr1-26135553-C-T.
Other names: c.784C>T (NM_020451.2); c.784C>T, p.Arg262Trp (NM_020451.3); short protein forms R262W, R228W.
Identifiers: ClinVar variation 1493895 (VCV001493895.13), dbSNP rs746994841, ClinGen allele CA696643.